The following is an entry in ClinVar:

ClinVar aggregate classification (germline): Uncertain significance (1 of 4 stars; one submission).

Conditions:
Tuberous sclerosis 2 (TSC2). Identifiers: Orphanet 805, MedGen C1860707, MONDO:0013199, OMIM 613254.

Submission:

Labcorp Genetics (formerly Invitae), Labcorp
Classification: Uncertain significance for Tuberous sclerosis 2. Last evaluated: 2025-10-30. Review status: criteria provided, single submitter. Criteria: Invitae Variant Classification Sherloc (09022015). Collection method: clinical testing. Allele origin: germline.
Comment: This sequence change replaces proline, which is neutral and non-polar, with leucine, which is neutral and non-polar, at codon 1309 of the TSC2 protein (p.Pro1309Leu). This variant is not present in population databases (gnomAD no frequency). This variant has not been reported in the literature in individuals affected with TSC2-related conditions. ClinVar contains an entry for this variant (Variation ID: 1366186). Invitae Evidence Modeling of protein sequence and biophysical properties (such as structural, functional, and spatial information, amino acid conservation, physicochemical variation, residue mobility, and thermodynamic stability) indicates that this missense variant is not expected to disrupt TSC2 protein function with a negative predictive value of 95%. In summary, the available evidence is currently insufficient to determine the role of this variant in disease. Therefore, it has been classified as a Variant of Uncertain Significance.

NM_000548.5(TSC2):c.3926C>T (p.Pro1309Leu)

Gene: TSC2 (TSC complex subunit 2; plus strand). Cytogenetic location: 16p13.3.
Variant type: single nucleotide variant.
Coding change: c.3926C>T on transcript NM_000548.5 (MANE Select); coding-DNA position 3926, C replaced by T.
Protein change: p.Pro1309Leu; replaces proline 1309 with leucine.
Molecular consequence: missense variant.
Genome position (GRCh38, 1-based): chr16:2,083,737, C>T. VCF-style: chr16-2083737-C-T. GRCh37 (hg19) VCF-style: chr16-2133738-C-T.
Other names: c.3725C>T, p.Pro1242Leu (NM_001077183.3); c.3857C>T, p.Pro1286Leu (NM_001114382.3); c.3617C>T, p.Pro1206Leu (NM_001318827.2); c.3581C>T, p.Pro1194Leu (NM_001318829.2); c.3194C>T, p.Pro1065Leu (NM_001318831.2); c.3758C>T, p.Pro1253Leu (NM_001318832.2); c.3728C>T, p.Pro1243Leu (NM_001363528.2); c.3794C>T, p.Pro1265Leu (NM_001370404.1); and 1 more; short protein forms P1194L, P1243L, P1286L, P1206L, P1309L, P1265L, P1065L, P1242L.
Identifiers: ClinVar variation 1366186 (VCV001366186.8), dbSNP rs1356621621, ClinGen allele CA394297198.